The following is an entry in ClinVar:

ClinVar aggregate classification (germline): Likely pathogenic (1 of 4 stars; one submission).

Conditions:
Inborn genetic diseases. Identifiers: MedGen C0950123, MeSH D030342.

Submission:

Ambry Genetics
Classification: Likely pathogenic for Inborn genetic diseases. Last evaluated: 2026-08-05. Review status: criteria provided, single submitter. Criteria: Ambry Variant Classification Scheme 2023. Collection method: clinical testing. Allele origin: germline.
Comment: The c.2446G>A (p.V816I) alteration is located in exon 18 (coding exon 18) of the GRIN1 gene. This alteration results from a G to A substitution at nucleotide position 2446, causing the valine (V) at amino acid position 816 to be replaced by an isoleucine (I). for autosomal dominant GRIN1-related neurodevelopmental disorder. This variant was not reported in population-based cohorts in the Genome Aggregation Database (gnomAD). This variant was determined to be de novo in at least one individual with features consistent with autosomal dominant GRIN1-related neurodevelopmental disorder (Zhang, 2024; external communication). This amino acid position is highly conserved in available vertebrate species. This missense variant is located in a region that has a low rate of benign missense variation (Lek, 2016; Firth, 2009). This alteration is predicted to be tolerated by in silico analysis. Based on the available evidence, this alteration is classified as likely pathogenic.

Literature cited by the submitters: PubMed 38837156.

NM_007327.4(GRIN1):c.2446G>A (p.Val816Ile)

Gene: GRIN1 (glutamate ionotropic receptor NMDA type subunit 1; plus strand). Cytogenetic location: 9q34.3.
Variant type: single nucleotide variant.
Coding change: c.2446G>A on transcript NM_007327.4 (MANE Select); coding-DNA position 2446, G replaced by A.
Protein change: p.Val816Ile; replaces valine 816 with isoleucine.
Molecular consequence: missense variant.
Genome position (GRCh38, 1-based): chr9:137,163,761, G>A. VCF-style: chr9-137163761-G-A. GRCh37 (hg19) VCF-style: chr9-140058213-G-A.
Other names: c.2446G>A, p.Val816Ile (NM_000832.7, NM_021569.4); c.2509G>A, p.Val837Ile (NM_001185090.2, NM_001185091.2); short protein forms V816I, V837I.
Identifiers: ClinVar variation 2299491 (VCV002299491.3), dbSNP rs2538649259, ClinGen allele CA375726178.